The following is an entry in ClinVar:

ClinVar aggregate classification (germline): Uncertain significance (1 of 4 stars; one submission).

Conditions:
Hyperkalemic periodic paralysis. Also called: Familial hyperkalemic periodic paralysis; Gamstorp disease. Identifiers: Orphanet 682, MedGen C0238357, MONDO:0008224, OMIM 170500, HP:0007215.

Submission:

Labcorp Genetics (formerly Invitae), Labcorp
Classification: Uncertain significance for Hyperkalemic periodic paralysis. Last evaluated: 2023-06-09. Review status: criteria provided, single submitter. Criteria: Invitae Variant Classification Sherloc (09022015). Collection method: clinical testing. Allele origin: germline.
Comment: This variant is not present in population databases (gnomAD no frequency). This sequence change replaces glycine, which is neutral and non-polar, with tryptophan, which is neutral and slightly polar, at codon 1464 of the SCN4A protein (p.Gly1464Trp). This variant has not been reported in the literature in individuals affected with SCN4A-related conditions. In summary, the available evidence is currently insufficient to determine the role of this variant in disease. Therefore, it has been classified as a Variant of Uncertain Significance. Advanced modeling of protein sequence and biophysical properties (such as structural, functional, and spatial information, amino acid conservation, physicochemical variation, residue mobility, and thermodynamic stability) performed at Invitae indicates that this missense variant is expected to disrupt SCN4A protein function.

NM_000334.4(SCN4A):c.4390G>T (p.Gly1464Trp)

Genes: GH-LCR (growth hormone locus control region; plus strand), SCN4A (sodium voltage-gated channel alpha subunit 4; minus strand). Cytogenetic location: 17q23.3.
Variant type: single nucleotide variant.
Coding change: c.4390G>T on transcript NM_000334.4 (MANE Select); coding-DNA position 4390, G replaced by T.
Protein change: p.Gly1464Trp; replaces glycine 1464 with tryptophan.
Molecular consequence: missense variant.
Genome position (GRCh38, 1-based): chr17:63,941,892, C>A on the plus strand (G>T on the coding strand, the complement: SCN4A is on the minus strand). VCF-style: chr17-63941892-C-A. GRCh37 (hg19) VCF-style: chr17-62019252-C-A.
Other names: short protein forms G1464W.
Identifiers: ClinVar variation 2716270 (VCV002716270.3), dbSNP rs150423825, ClinGen allele CA400616116.
Genomic context (GRCh38, chr17:63,941,892, plus strand): 5'-TGAAGAGGGCAGGCAGCGACATCATGAGGGCGAACAGCAGCGTCCGGATGCCCTTGGCCC[C>A]GCGGATCAGCCGCAGGACACGCCCAATCCGCGCCAGGCGGATCACACGGAACAGCGTGGG-3'
Protein context (NP_000325.4, residues 1454-1474): RIGRVLRLIR[Gly1464Trp]AKGIRTLLFA